The following is an entry in ClinVar:

ClinVar aggregate classification (germline): Likely benign. Review status: criteria provided, multiple submitters, no conflicts (2 of 4 stars). 3 submissions from 3 submitters: Likely benign (2). 1 of the submissions does not count toward it. Last evaluated 2025-03-01.

Conditions:
Tuberous sclerosis syndrome (TSC). Also called: Tuberous Sclerosis Complex; Tuberous sclerosis. Identifiers: Orphanet 805, MedGen C0041341, MONDO:0001734.

Allele frequency attached by ClinVar (database versions not stated): gnomAD 0.00001; gnomAD exomes 0.00001 and 0.00002; TOPMed 0.00001; ExAC 0.00007.
gnomAD v4.1: 19 of 1,489,436 alleles (0.0013%); highest among the groups gnomAD compares: Non-Finnish European, 0.0014%; no homozygotes.

Submissions (3):

CeGaT Center for Human Genetics Tuebingen
Classification: Likely benign. Last evaluated: 2025-03-01. Review status: criteria provided, single submitter. Criteria: CeGaT Center For Human Genetics Tuebingen Variant Classification Criteria Version 2. Collection method: clinical testing. Allele origin: germline. Affected: yes. Observed: 1 variant allele.
Comment: TSC2: BP4, BP7

Laboratory of Genetics, Children's Clinical University Hospital Latvia
Classification: Likely benign. Last evaluated: 2025-02-16. Review status: criteria provided, single submitter. Criteria: ACMG Guidelines, 2015. Collection method: clinical testing. Allele origin: germline. Affected: yes.

Tuberous sclerosis database (TSC2)
No classification provided. Condition: TSC. Review status: no classification provided. Criteria: Tuberous Sclerosis Database Assertion Criteria 2015. Collection method: curation. Allele origin: germline. Affected: yes. Not counted in ClinVar's aggregate classification.

NM_000548.5(TSC2):c.336+61C>T

Gene: TSC2 (TSC complex subunit 2; plus strand). Cytogenetic location: 16p13.3.
Variant type: single nucleotide variant.
Coding change: c.336+61C>T on transcript NM_000548.5 (MANE Select); 61 bases into the intron after coding-DNA position 336, C replaced by T.
Molecular consequence: intron variant.
Genome position (GRCh38, 1-based): chr16:2,053,513, C>T. VCF-style: chr16-2053513-C-T. GRCh37 (hg19) VCF-style: chr16-2103514-C-T.
Other names: c.336+61C>T (NM_001114382.3, NM_021055.3, NM_001370405.1 and 3 more transcripts); c.226-783C>T (NM_001318827.2); c.-1-2683C>T (NM_001318831.2); c.189+61C>T (NM_001318829.2); c.369+61C>T (NM_001318832.2).
Identifiers: ClinVar variation 64987 (VCV000064987.10), dbSNP rs397514989, ClinGen allele CA019011.
Genomic context (GRCh38, chr16:2,053,513, plus strand): 5'-GTAAGGCCCAGGGCGACGCTGGGATGGGTGACGTCAGGCTGCCCACTGACTGTCCTGTCC[C>T]TGCTGGGCCGTGTTTGGACTCCTGCCTCGGTGAGTTGCTGGGCACAGGGTCTAGGGGCTG-3'